The following is an entry in ClinVar:

ClinVar aggregate classification (germline): Conflicting classifications of pathogenicity. Review status: criteria provided, conflicting classifications (1 of 4 stars). 3 submissions from 3 submitters: Uncertain significance (2); Benign (1). Last evaluated 2026-06-12.

Conditions:
Bethlem myopathy 1A. Also called: Bethlem myopathy 1; Bethlem Muscular Dystrophy; MYOPATHY, BENIGN CONGENITAL, WITH CONTRACTURES. Identifiers: Orphanet 610, MedGen CN029274, MONDO:0024530, OMIM 158810.

Allele frequency attached by ClinVar (database versions not stated): gnomAD 0.00006; ESP Exome Variant Server 0.00008; 1000 Genomes Project 30x 0.00016; 1000 Genomes Project 0.00020; gnomAD exomes 0.00002 and 0.00005; TOPMed 0.00005; ExAC 0.00006.
gnomAD v4.1: 41 of 1,614,190 alleles (0.0025%); highest among the groups gnomAD compares: East Asian, 0.013%; no homozygotes.

Submissions (3):

Women's Health and Genetics/Laboratory Corporation of America, LabCorp
Classification: Uncertain significance. Last evaluated: 2026-06-12. Review status: criteria provided, single submitter. Criteria: LabCorp Variant Classification Summary - May 2015. Collection method: clinical testing. Allele origin: germline.
Comment: Variant summary: COL6A3 c.8627C>T (p.Pro2876Leu) results in a non-conservative amino acid change in the encoded protein sequence. Algorithms developed to predict the effect of missense changes on protein structure and function are either unavailable or do not agree on the potential impact of this missense change. The variant allele was found at a frequency of 4.8e-05 in 251488 control chromosomes. This frequency is not significantly higher than estimated for disease-causing variants in COL6A3, allowing no conclusion about variant significance. To our knowledge, no occurrence of c.8627C>T in individuals affected with COL6A3-related conditions and no experimental evidence demonstrating its impact on protein function have been reported. ClinVar contains an entry for this variant (Variation ID: 659290). Based on the evidence outlined above, the variant was classified as uncertain significance.

Labcorp Genetics (formerly Invitae), Labcorp
Classification: Benign for Bethlem myopathy 1A. Last evaluated: 2025-12-16. Review status: criteria provided, single submitter. Criteria: Invitae Variant Classification Sherloc (09022015). Collection method: clinical testing. Allele origin: germline.

Revvity Omics, Revvity
Classification: Uncertain significance. Last evaluated: 2019-12-09. Review status: criteria provided, single submitter. Criteria: ACMG Guidelines, 2015. Collection method: clinical testing. Allele origin: germline.

NM_004369.4(COL6A3):c.8627C>T (p.Pro2876Leu)

Gene: COL6A3 (collagen type VI alpha 3 chain; minus strand). Cytogenetic location: 2q37.3.
Variant type: single nucleotide variant.
Coding change: c.8627C>T on transcript NM_004369.4 (MANE Select); coding-DNA position 8627, C replaced by T.
Protein change: p.Pro2876Leu; replaces proline 2876 with leucine.
Molecular consequence: missense variant.
Genome position (GRCh38, 1-based): chr2:237,336,473, G>A on the plus strand (C>T on the coding strand, the complement: COL6A3 is on the minus strand). VCF-style: chr2-237336473-G-A. GRCh37 (hg19) VCF-style: chr2-238245116-G-A.
Other names: c.6806C>T, p.Pro2269Leu (NM_057166.5); c.8009C>T, p.Pro2670Leu (NM_057167.4); short protein forms P2876L, P2269L, P2670L.
Identifiers: ClinVar variation 659290 (VCV000659290.12), dbSNP rs367635298, ClinGen allele CA2187488.